The following is an entry in ClinVar:

ClinVar aggregate classification (germline): Benign/Likely benign. Review status: criteria provided, multiple submitters, no conflicts (2 of 4 stars). 4 submissions from 4 submitters: Benign (2); Likely benign (2). Last evaluated 2026-01-09.

Allele frequency attached by ClinVar (database versions not stated): gnomAD exomes 0.00043; ExAC 0.00049; 1000 Genomes Project 0.00080; gnomAD 0.00080; ESP Exome Variant Server 0.00123; TOPMed 0.00091; 1000 Genomes Project 30x 0.00109.
gnomAD v4.1: 1,291 of 1,614,122 alleles (0.08%); highest among the groups gnomAD compares: African/African-American, 0.16%; 4 homozygotes.

Submissions (4):

Labcorp Genetics (formerly Invitae), Labcorp
Classification: Benign. Last evaluated: 2026-01-09. Review status: criteria provided, single submitter. Criteria: Invitae Variant Classification Sherloc (09022015). Collection method: clinical testing. Allele origin: germline.

CeGaT Center for Human Genetics Tuebingen
Classification: Likely benign. Last evaluated: 2025-03-01. Review status: criteria provided, single submitter. Criteria: CeGaT Center For Human Genetics Tuebingen Variant Classification Criteria Version 2. Collection method: clinical testing. Allele origin: germline. Affected: yes. Observed: 2 variant alleles.
Comment: KCNH1: BP4, BP7

Blueprint Genetics
Classification: Likely benign. Last evaluated: 2024-10-09. Review status: criteria provided, single submitter. Criteria: ACMG Guidelines, 2015. Collection method: clinical testing. Allele origin: germline.

GeneDx
Classification: Benign. Last evaluated: 2021-06-24. Review status: criteria provided, single submitter. Criteria: GeneDx Variant Classification Process June 2021. Collection method: clinical testing. Allele origin: germline. Affected: yes.

NM_172362.3(KCNH1):c.2823C>T (p.Asn941=)

Gene: KCNH1 (potassium voltage-gated channel subfamily H member 1; minus strand). Cytogenetic location: 1q32.2.
Variant type: single nucleotide variant.
Coding change: c.2823C>T on transcript NM_172362.3 (MANE Select); coding-DNA position 2823, C replaced by T.
Protein change: p.Asn941=; no amino-acid change (asparagine 941 retained).
Molecular consequence: synonymous variant.
Genome position (GRCh38, 1-based): chr1:210,683,428, G>A on the plus strand (C>T on the coding strand, the complement: KCNH1 is on the minus strand). VCF-style: chr1-210683428-G-A. GRCh37 (hg19) VCF-style: chr1-210856770-G-A.
Other names: c.2742C>T, p.Asn914= (NM_002238.4).
Identifiers: ClinVar variation 772671 (VCV000772671.35), dbSNP rs143091808, ClinGen allele CA1379582.